The following continues an entry in ClinVar:

NM_007294.4(BRCA1):c.1486C>T (p.Arg496Cys)

Gene: BRCA1. ClinVar aggregate classification (germline): Benign. Benign (1).

Submissions 18 to 30 of 30:

Color Diagnostics, LLC DBA Color Health
Classification: Likely benign for Hereditary cancer-predisposing syndrome. Last evaluated: 2014-12-16. Review status: criteria provided, single submitter. Criteria: ACMG Guidelines, 2015. Collection method: clinical testing. Allele origin: germline. Not counted in ClinVar's aggregate classification.

Ambry Genetics
Classification: Benign for Hereditary cancer-predisposing syndrome. Last evaluated: 2014-11-18. Review status: criteria provided, single submitter. Criteria: Ambry Variant Classification Scheme 2023. Collection method: clinical testing. Allele origin: germline. Not counted in ClinVar's aggregate classification.

CSER _CC_NCGL, University of Washington
Classification: Uncertain significance for Breast and/or ovarian cancer. Last evaluated: 2014-06-01. Review status: criteria provided, single submitter. Criteria: Amendola et al. (Genome Res. 2015). Collection method: research. Allele origin: germline. Inheritance: Autosomal dominant inheritance. Study: ESP 6500 variant annotation. Not counted in ClinVar's aggregate classification.
Comment: Low GERP score may suggest that this variant may belong in a lower pathogenicity class

Variants classified for the Actionable exomic incidental findings in 6503 participants: challenges of variant classification manuscript

PreventionGenetics, part of Exact Sciences
Classification: Likely benign for BRCA1-related condition. Last evaluated: 2019-11-05. Review status: no assertion criteria provided. Collection method: clinical testing. Allele origin: germline. Not counted in ClinVar's aggregate classification.
Comment: This variant is classified as likely benign based on ACMG/AMP sequence variant interpretation guidelines (Richards et al. 2015 PMID: 25741868, with internal and published modifications).

Mayo Clinic Laboratories, Mayo Clinic
Classification: Likely benign. Last evaluated: 2017-03-30. Review status: no assertion criteria provided. Collection method: clinical testing. Allele origin: unknown. Not counted in ClinVar's aggregate classification.

Research Molecular Genetics Laboratory, Women's College Hospital, University of Toronto
Classification: Benign. Last evaluated: 2014-01-31. Review status: no assertion criteria provided. Collection method: research. Allele origin: germline. Affected: yes. Study: The Canadian Open Genetics Repository (COGR). Not counted in ClinVar's aggregate classification.

Breast Cancer Information Core (BIC) (BRCA1)
Classification: Uncertain significance for Breast-ovarian cancer, familial 1. Last evaluated: 2002-05-29. Review status: no assertion criteria provided. Collection method: clinical testing. Allele origin: germline. Affected: yes. Observed: 43 variant alleles. Not counted in ClinVar's aggregate classification.

Foulkes Cancer Genetics LDI, Lady Davis Institute for Medical Research
Classification: Uncertain significance for Breast and/or ovarian cancer. Last evaluated: 2001-10-10. Review status: no assertion criteria provided. Collection method: clinical testing. Allele origin: germline. Study: The Canadian Open Genetics Repository (COGR). Not counted in ClinVar's aggregate classification.

Clinical Genetics DNA and cytogenetics Diagnostics Lab, Erasmus MC, Erasmus Medical Center
Classification: Benign. Review status: no assertion criteria provided. Collection method: clinical testing. Allele origin: germline. Affected: yes. Study: VKGL Data-share Consensus. Not counted in ClinVar's aggregate classification.

Clinical Genetics Laboratory, Department of Pathology, Netherlands Cancer Institute
Classification: Benign. Review status: no assertion criteria provided. Collection method: clinical testing. Allele origin: germline. Affected: yes. Study: VKGL Data-share Consensus. Not counted in ClinVar's aggregate classification.

Department of Pathology and Laboratory Medicine, Sinai Health System
Classification: Benign for Malignant tumor of breast. Review status: no assertion criteria provided. Collection method: clinical testing. Allele origin: unknown. Affected: yes. Study: The Canadian Open Genetics Repository (COGR). Not counted in ClinVar's aggregate classification.
Comment: The p.Arg496Cys variant is identified in the literature in 6 out of 7356 proband chromosomes (frequency 0.001) with breast and ovarian cancers, however a limited number of control chromosomes were analyzed (0 out of 700, frequency=0), and so the frequency of this variant in the general population could not adequately be assessesed (Infante 2006, Chenevix-Trench 2006, Van-Hassel 2010, Borg 2010, German consortium 2002, Arnold 2002). It is listed in dbSNP database as coming from a "clinical source" (ID#: rs28897676) with an average heterozygosity of 0.000+/-0.015 from one population. The BIC database reports this variant 46X with unknown clinical importance. It is reported 52 times in the myriad database "in trans" and therefore likely to be neutral (Chenevix-Trench 2006). In the UMD database, this variant has been identified in 12 individuals with breast or ovarian cancers, and in 4 of these cases a second pathogenic BRCA1 or BRCA2 mutation was also detected, therefore increasing the likelihood this variant is benign. The p.Arg496 residue is not conserved in mammals and computational analyses (SIFT, AlignGVGD) provide inconsistent predictions regarding the impact to the protein, and other in silico analysis do not show any impact on the function (Lovelock 2007, Lindor 2011, Capanu 2011, Waddel 2008, Lee 2008, Mark_2005_15571721, Judkins_2005_16267036). Another variant at the same location, p.Arg496His, is also found 12 times in UMD database, with a second pathogenic variant co-occurring in 5 individuals with beast and ovarian cancer phenotype, decreasing the likelihood the p.Arg496Cys variant has clinical significance. In summary, based upon the above information, this variant is classified as benign.

Genome Diagnostics Laboratory, University Medical Center Utrecht
Classification: Benign. Review status: no assertion criteria provided. Collection method: clinical testing. Allele origin: germline. Affected: yes. Study: VKGL Data-share Consensus. Not counted in ClinVar's aggregate classification.

Joint Genome Diagnostic Labs from Nijmegen and Maastricht, Radboudumc and MUMC+
Classification: Benign. Review status: no assertion criteria provided. Collection method: clinical testing. Allele origin: germline. Affected: yes. Study: VKGL Data-share Consensus. Not counted in ClinVar's aggregate classification.

Literature cited by the submitters: PubMed 21990134 (cited by Evidence-based Network for the Interpretation of Germline Mutant Alleles (ENIGMA)).